The following is an entry in ClinVar:

ClinVar aggregate classification (germline): Uncertain significance (1 of 4 stars; one submission).

Submission:

GeneDx
Classification: Uncertain significance. Last evaluated: 2025-06-09. Review status: criteria provided, single submitter. Criteria: GeneDx Variant Classification Process June 2021. Collection method: clinical testing. Allele origin: germline. Affected: yes.
Comment: Not observed at significant frequency in large population cohorts (gnomAD); Frameshift variant predicted to result in protein truncation or nonsense mediated decay in a gene or region of a gene for which loss of function is not a well-established mechanism of disease; Has not been previously published as pathogenic or benign to our knowledge

NM_001270.4(CHD1):c.1276_1286del (p.Gly426fs)

Gene: CHD1 (chromodomain helicase DNA binding protein 1; minus strand). Cytogenetic location: 5q15.
Variant type: Deletion.
Coding change: c.1276_1286del on transcript NM_001270.4 (MANE Select); coding-DNA positions 1276 to 1286, 11 bases deleted (GGAGCTCTCAT).
Protein change: p.Gly426fs; shifts the reading frame from glycine 426.
Molecular consequence: frameshift variant. On other transcripts: non-coding transcript variant (2).
Genome position (GRCh38, 1-based): chr5:98,898,335-98,898,345, ATGAGAGCTCC deleted on the plus strand (GGAGCTCTCAT on the coding strand, the reverse complement: CHD1 is on the minus strand); deleting any 11 consecutive bases within chr5:98,898,335-98,898,347 gives the same sequence; the c. name uses the placement nearest the transcript's 3' end. VCF-style (leftmost placement, unchanged base first): chr5-98898334-AATGAGAGCTCC-A. GRCh37 (hg19) VCF-style: chr5-98234038-AATGAGAGCTCC-A.
Other names: c.1276_1286del, p.Gly426fs (NM_001364113.3, NM_001376194.2); short protein forms G426fs.
Identifiers: ClinVar variation 4538024 (VCV004538024.1).
Genomic context (GRCh38, chr5:98,898,334, plus strand): 5'-AGTGGTTTTTGATTGGTTCCTGCTAAAATACTCATCAATGCATGCTTGAAACTTTTTGGA[AATGAGAGCTCC>A]ATCTTCCCAGCTGCACTCTGAGTATGGAAGGCCCTGCCATTTGCAGTAATAATCAGGATA-3'